The following is an entry in ClinVar:

ClinVar aggregate classification (germline): Uncertain significance (1 of 4 stars; one submission).

Conditions:
Joubert syndrome. Also called: CEREBELLOPARENCHYMAL DISORDER IV; JOUBERT-BOLTSHAUSER SYNDROME; Familial aplasia of the vermis. Identifiers: Orphanet 475, MedGen C5979921, MONDO:0018772.
Meckel-Gruber syndrome. Also called: DYSENCEPHALIA SPLANCHNOCYSTICA; GRUBER SYNDROME; Dysencephalia splachnocystica. Identifiers: Orphanet 564, MedGen C0265215, MONDO:0018921.
Nephronophthisis. Also called: Juvenile Nephronophthisis. Identifiers: Orphanet 655, MedGen C0687120, MONDO:0019005, HP:0000090.

gnomAD v4.1: 1 of 1,609,664 alleles (0.000062%); highest among the groups gnomAD compares: Non-Finnish European, 0.000085%; no homozygotes.

Submission:

Labcorp Genetics (formerly Invitae), Labcorp
Classification: Uncertain significance for Joubert syndrome; Meckel-Gruber syndrome; Nephronophthisis. Last evaluated: 2022-07-15. Review status: criteria provided, single submitter. Criteria: Invitae Variant Classification Sherloc (09022015). Collection method: clinical testing. Allele origin: germline.
Comment: This sequence change replaces valine, which is neutral and non-polar, with leucine, which is neutral and non-polar, at codon 928 of the CEP290 protein (p.Val928Leu). This variant is not present in population databases (gnomAD no frequency). This variant has not been reported in the literature in individuals affected with CEP290-related conditions. Algorithms developed to predict the effect of missense changes on protein structure and function are either unavailable or do not agree on the potential impact of this missense change (SIFT: "Deleterious"; PolyPhen-2: "Probably Damaging"; Align-GVGD: "Class C0"). In summary, the available evidence is currently insufficient to determine the role of this variant in disease. Therefore, it has been classified as a Variant of Uncertain Significance.

NM_025114.4(CEP290):c.2782G>C (p.Val928Leu)

Gene: CEP290 (centrosomal protein 290; minus strand). Cytogenetic location: 12q21.32.
Variant type: single nucleotide variant.
Coding change: c.2782G>C on transcript NM_025114.4 (MANE Select); coding-DNA position 2782, G replaced by C.
Protein change: p.Val928Leu; replaces valine 928 with leucine.
Molecular consequence: missense variant.
Genome position (GRCh38, 1-based): chr12:88,106,710, C>G on the plus strand (G>C on the coding strand, the complement: CEP290 is on the minus strand). VCF-style: chr12-88106710-C-G. GRCh37 (hg19) VCF-style: chr12-88500487-C-G.
Other names: short protein forms V928L.
Identifiers: ClinVar variation 1982035 (VCV001982035.1), dbSNP rs961715276, ClinGen allele CA385970828.